The following is an entry in ClinVar:

NM_012238.5(SIRT1):c.1810G>A (p.Gly604Ser)

Gene: SIRT1 (sirtuin 1; plus strand). Cytogenetic location: 10q21.3.
Variant type: single nucleotide variant.
Coding change: c.1810G>A on transcript NM_012238.5 (MANE Select); coding-DNA position 1810, G replaced by A.
Protein change: p.Gly604Ser; replaces glycine 604 with serine.
Molecular consequence: missense variant.
Genome position (GRCh38, 1-based): chr10:67,912,926, G>A. VCF-style: chr10-67912926-G-A. GRCh37 (hg19) VCF-style: chr10-69672683-G-A.
Other names: c.925G>A, p.Gly309Ser (NM_001142498.2); c.901G>A, p.Gly301Ser (NM_001314049.2); short protein forms G309S, G604S, G301S.
Identifiers: ClinVar variation 3711645 (VCV003711645.2).

ClinVar aggregate classification (germline): Uncertain significance (1 of 4 stars; one submission).

gnomAD v4.1: 66 of 1,614,012 alleles (0.0041%); highest among the groups gnomAD compares: Non-Finnish European, 0.0051%; no homozygotes.

Submission:

Labcorp Genetics (formerly Invitae), Labcorp
Classification: Uncertain significance. Last evaluated: 2025-10-01. Review status: criteria provided, single submitter. Criteria: Invitae Variant Classification Sherloc (09022015). Collection method: clinical testing. Allele origin: germline.
Comment: This sequence change replaces glycine, which is neutral and non-polar, with serine, which is neutral and polar, at codon 604 of the SIRT1 protein (p.Gly604Ser). This variant is present in population databases (rs200296961, gnomAD 0.01%). This variant has not been reported in the literature in individuals affected with SIRT1-related conditions. ClinVar contains an entry for this variant (Variation ID: 3711645). An algorithm developed to predict the effect of missense changes on protein structure and function outputs the following: PolyPhen-2: "Benign". The serine amino acid residue is found in multiple mammalian species, which suggests that this missense change does not adversely affect protein function. In summary, the available evidence is currently insufficient to determine the role of this variant in disease. Therefore, it has been classified as a Variant of Uncertain Significance.